The following is an entry in ClinVar:

NM_001164508.2(NEB):c.17601G>A (p.Val5867=)

Gene: NEB (nebulin; minus strand). Cytogenetic location: 2q23.3.
Variant type: single nucleotide variant.
Coding change: c.17601G>A on transcript NM_001164508.2 (MANE Select); coding-DNA position 17601, G replaced by A.
Protein change: p.Val5867=; no amino-acid change (valine 5867 retained).
Molecular consequence: synonymous variant.
Genome position (GRCh38, 1-based): chr2:151,568,651, C>T on the plus strand (G>A on the coding strand, the complement: NEB is on the minus strand). VCF-style: chr2-151568651-C-T. GRCh37 (hg19) VCF-style: chr2-152425165-C-T.
Other names: c.17601G>A, p.Val5867= (NM_001164507.2, NM_001271208.2); c.12498G>A, p.Val4166= (NM_004543.5).
Identifiers: ClinVar variation 703522 (VCV000703522.27), dbSNP rs58263509, ClinGen allele CA1908170.

ClinVar aggregate classification (germline): Benign/Likely benign. Review status: criteria provided, multiple submitters, no conflicts (2 of 4 stars). 6 submissions from 6 submitters: Benign (2); Likely benign (3). 1 of the submissions does not count toward it. Last evaluated 2026-03-25.

Conditions:
Nemaline myopathy 2 (NEM2). Also called: Nemaline myopathy 2, autosomal recessive. Identifiers: MedGen C1850569, MONDO:0009725, OMIM 256030.

Allele frequency attached by ClinVar (database versions not stated): gnomAD exomes 0.00024; ExAC 0.00044; 1000 Genomes Project 0.00060; 1000 Genomes Project 30x 0.00062; ESP Exome Variant Server 0.00081; gnomAD 0.00111 and 0.00118; TOPMed 0.00111.
gnomAD v4.1: 318 of 1,609,970 alleles (0.02%); highest among the groups gnomAD compares: African/African-American, 0.39%; no homozygotes.

Submissions (6):

Women's Health and Genetics/Laboratory Corporation of America, LabCorp
Classification: Likely benign. Last evaluated: 2026-03-25. Review status: criteria provided, single submitter. Criteria: LabCorp Variant Classification Summary - May 2015. Collection method: clinical testing. Allele origin: germline.

Labcorp Genetics (formerly Invitae), Labcorp
Classification: Benign for Nemaline myopathy 2. Last evaluated: 2026-01-28. Review status: criteria provided, single submitter. Criteria: Invitae Variant Classification Sherloc (09022015). Collection method: clinical testing. Allele origin: germline.

CeGaT Center for Human Genetics Tuebingen
Classification: Likely benign. Last evaluated: 2025-05-01. Review status: criteria provided, single submitter. Criteria: CeGaT Center For Human Genetics Tuebingen Variant Classification Criteria Version 2. Collection method: clinical testing. Allele origin: germline. Affected: yes. Observed: 1 variant allele.
Comment: NEB: BP4

Blueprint Genetics
Classification: Likely benign. Last evaluated: 2024-09-02. Review status: criteria provided, single submitter. Criteria: ACMG Guidelines, 2015. Collection method: clinical testing. Allele origin: germline.

Breakthrough Genomics
Classification: Benign. Review status: criteria provided, single submitter. Criteria: ACMG Guidelines, 2015. Collection method: not provided. Allele origin: germline. Inheritance: Autosomal recessive inheritance. Affected: yes.

Natera, Inc.
Classification: Likely benign for Nemaline myopathy type 2. Last evaluated: 2020-04-28. Review status: no assertion criteria provided. Collection method: clinical testing. Allele origin: germline. Not counted in ClinVar's aggregate classification.